The following is an entry in ClinVar:

ClinVar aggregate classification (germline): Conflicting classifications of pathogenicity. Review status: criteria provided, conflicting classifications (1 of 4 stars). 3 submissions from 3 submitters: Likely pathogenic (1); Uncertain significance (1). 1 of the submissions does not count toward it. Last evaluated 2024-12-19.

Conditions:
Zellweger spectrum disorders (ZS). Also called: Zellweger syndrome; Zellweger Spectrum Disorder; Zellweger Spectrum; Zellweger Spectrum Disorder (ZSD). Identifiers: Orphanet 912, MedGen C0043459, MONDO:0019609.
Peroxisome biogenesis disorder 4B (PBD4B). Also called: SPINOCEREBELLAR ATAXIA WITH BLINDNESS AND DEAFNESS 1. Identifiers: Orphanet 44, Orphanet 95433, MedGen C3553937, MONDO:0013931, OMIM 614863.
Peroxisome biogenesis disorder. Identifiers: Orphanet 79189, MedGen C1832200, MONDO:0019234. Disease mechanism: loss of function.

Submissions (3):

Genomic Medicine Center of Excellence, King Faisal Specialist Hospital and Research Centre
Classification: Likely pathogenic for Peroxisome biogenesis disorder 4B. Last evaluated: 2024-12-19. Review status: criteria provided, single submitter. Criteria: ACMG Guidelines, 2015. Collection method: clinical testing. Allele origin: germline.

Labcorp Genetics (formerly Invitae), Labcorp
Classification: Uncertain significance for Peroxisome biogenesis disorder. Last evaluated: 2021-08-31. Review status: criteria provided, single submitter. Criteria: Invitae Variant Classification Sherloc (09022015). Collection method: clinical testing. Allele origin: germline.
Comment: This variant, c.1401_1403del, results in the deletion of 1 amino acid(s) of the PEX6 protein (p.Leu468del), but otherwise preserves the integrity of the reading frame. This variant is not present in population databases (ExAC no frequency). This variant has not been reported in the literature in individuals affected with PEX6-related conditions. Experimental studies and prediction algorithms are not available or were not evaluated, and the functional significance of this variant is currently unknown. In summary, the available evidence is currently insufficient to determine the role of this variant in disease. Therefore, it has been classified as a Variant of Uncertain Significance.

Natera, Inc.
Classification: Uncertain significance for Zellweger syndrome. Last evaluated: 2020-11-29. Review status: no assertion criteria provided. Collection method: clinical testing. Allele origin: germline. Not counted in ClinVar's aggregate classification.

NM_000287.4(PEX6):c.1401_1403del (p.Leu468del)

Gene: PEX6 (peroxisomal biogenesis factor 6; minus strand). Cytogenetic location: 6p21.1.
Variant type: Deletion.
Coding change: c.1401_1403del on transcript NM_000287.4 (MANE Select); coding-DNA positions 1401 to 1403, 3 bases deleted (TCT; older notation c.1401_1403delTCT).
Protein change: p.Leu468del; deletes leucine 468.
Molecular consequence: inframe deletion. On other transcripts: non-coding transcript variant (1).
Genome position (GRCh38, 1-based): chr6:42,968,950-42,968,952, AGA deleted on the plus strand (TCT on the coding strand, the reverse complement: PEX6 is on the minus strand); deleting any 3 consecutive bases within chr6:42,968,950-42,968,954 gives the same sequence; the c. name uses the placement nearest the transcript's 3' end. VCF-style (leftmost placement, unchanged base first): chr6-42968949-TAGA-T. GRCh37 (hg19) VCF-style: chr6-42936687-TAGA-T.
Other names: c.1137_1139del, p.Leu380del (NM_001316313.2); short protein forms L380del, L468del.
Identifiers: ClinVar variation 1057026 (VCV001057026.8), dbSNP rs1222318292, ClinGen allele CA450254097.